The following is an entry in ClinVar:

NM_006514.4(SCN10A):c.1090C>G (p.Gln364Glu)

Gene: SCN10A (sodium voltage-gated channel alpha subunit 10; minus strand). Cytogenetic location: 3p22.2.
Variant type: single nucleotide variant.
Coding change: c.1090C>G on transcript NM_006514.4 (MANE Select); coding-DNA position 1090, C replaced by G.
Protein change: p.Gln364Glu; replaces glutamine 364 with glutamic acid.
Molecular consequence: missense variant.
Genome position (GRCh38, 1-based): chr3:38,757,020, G>C on the plus strand (C>G on the coding strand, the complement: SCN10A is on the minus strand). VCF-style: chr3-38757020-G-C. GRCh37 (hg19) VCF-style: chr3-38798511-G-C.
Other names: c.1090C>G, p.Gln364Glu (NM_001293306.2, NM_001293307.2); short protein forms Q364E.
Identifiers: ClinVar variation 5037674 (VCV005037674.1).
Genomic context (GRCh38, chr3:38,757,020, plus strand): 5'-CATGCAGCTGACCCACCAGCCTCCAACCAAGTCTGCGTGGGGGAATGCAGCTCAGTACCT[G>C]CTGGTAGAGGCGTTCCCAGGAATCCTGTGTCATGAGGCGGAACAGTGAGAGGAAAGCCCA-3'
Protein context (NP_006505.4, residues 354-374): TQDSWERLYQ[Gln364Glu]TLRTSGKIYM

ClinVar aggregate classification (germline): Uncertain significance (1 of 4 stars; one submission).

gnomAD v4.1: 7 of 1,609,352 alleles (0.00043%); highest among the groups gnomAD compares: Non-Finnish European, 0.00059%; no homozygotes.

Submission:

GeneDx
Classification: Uncertain significance. Last evaluated: 2026-04-17. Review status: criteria provided, single submitter. Criteria: GeneDx Variant Classification Process June 2021. Collection method: clinical testing. Allele origin: germline.
Comment: Not observed at significant frequency in large population cohorts (gnomAD); In silico analysis suggests that this missense variant does not alter protein structure/function; Has not been previously published as pathogenic or benign to our knowledge